The following is an entry in ClinVar:

ClinVar aggregate classification (germline): Pathogenic (1 of 4 stars; one submission).

Submission:

GeneDx
Classification: Pathogenic. Last evaluated: 2025-03-17. Review status: criteria provided, single submitter. Criteria: GeneDx Variant Classification Process June 2021. Collection method: clinical testing. Allele origin: germline.
Comment: Nonsense variant predicted to result in protein truncation or nonsense mediated decay in a gene for which loss of function is a known mechanism of disease; Not observed at significant frequency in large population cohorts (gnomAD); Has not been previously published as pathogenic or benign to our knowledge

NM_006158.5(NEFL):c.836G>A (p.Trp279Ter)

Gene: NEFL (neurofilament light chain; minus strand). Cytogenetic location: 8p21.2.
Variant type: single nucleotide variant.
Coding change: c.836G>A on transcript NM_006158.5 (MANE Select); coding-DNA position 836, G replaced by A.
Protein change: p.Trp279Ter; replaces tryptophan 279 with a stop codon.
Molecular consequence: nonsense.
Genome position (GRCh38, 1-based): chr8:24,955,680, C>T on the plus strand (G>A on the coding strand, the complement: NEFL is on the minus strand). VCF-style: chr8-24955680-C-T. GRCh37 (hg19) VCF-style: chr8-24813194-C-T.
Other names: short protein forms W279*.
Identifiers: ClinVar variation 3368912 (VCV003368912.2).
Genomic context (GRCh38, chr8:24,955,680, plus strand): 5'-CGCACGGCGTCGGTGTTCTTGGCGGCGCTCTCGGTCAGCACGGTGAAGCGGCTCTTGAAC[C>T]ATTCCTCAGCGTTCTGCATGTTCTTGGCGGCCAGCTTCTCGTACTGCGCGCGGATGTCCT-3'